The following is an entry in ClinVar:

NM_001204.7(BMPR2):c.2374A>G (p.Asn792Asp)

Gene: BMPR2 (bone morphogenetic protein receptor type 2; plus strand). Cytogenetic location: 2q33.2.
Variant type: single nucleotide variant.
Coding change: c.2374A>G on transcript NM_001204.7 (MANE Select); coding-DNA position 2374, A replaced by G.
Protein change: p.Asn792Asp; replaces asparagine 792 with aspartic acid.
Molecular consequence: missense variant.
Genome position (GRCh38, 1-based): chr2:202,556,039, A>G. VCF-style: chr2-202556039-A-G. GRCh37 (hg19) VCF-style: chr2-203420762-A-G.
Other names: short protein forms N792D.
Identifiers: ClinVar variation 4598113 (VCV004598113.1).

ClinVar aggregate classification (germline): Uncertain significance (1 of 4 stars; one submission).

Conditions:
Inborn genetic diseases. Identifiers: MedGen C0950123, MeSH D030342.

Submission:

Ambry Genetics
Classification: Uncertain significance for Inborn genetic diseases. Last evaluated: 2025-12-10. Review status: criteria provided, single submitter. Criteria: Ambry Variant Classification Scheme 2023. Collection method: clinical testing. Allele origin: germline.
Comment: The p.N792D variant (also known as c.2374A>G), located in coding exon 12 of the BMPR2 gene, results from an A to G substitution at nucleotide position 2374. The asparagine at codon 792 is replaced by aspartic acid, an amino acid with highly similar properties. This amino acid position is conserved. In addition, the in silico prediction for this alteration is inconclusive. Based on the available evidence, the clinical significance of this variant remains unclear.